The following is an entry in ClinVar:

NM_000051.4(ATM):c.729_741del (p.Leu243fs)

Gene: ATM (ATM serine/threonine kinase; plus strand). Cytogenetic location: 11q22.3.
Variant type: Deletion.
Coding change: c.729_741del on transcript NM_000051.4 (MANE Select); coding-DNA positions 729 to 741, 13 bases deleted (GGCTGTCAACTTT).
Protein change: p.Leu243fs; shifts the reading frame from leucine 243.
Molecular consequence: frameshift variant.
Genome position (GRCh38, 1-based): chr11:108,244,854-108,244,866, GGCTGTCAACTTT deleted; deleting any 13 consecutive bases within chr11:108,244,849-108,244,866 gives the same sequence; the c. name uses the placement nearest the transcript's 3' end. VCF-style (leftmost placement, unchanged base first): chr11-108244848-GACTTTGGCTGTCA-G. GRCh37 (hg19) VCF-style: chr11-108115575-GACTTTGGCTGTCA-G.
Other names: c.729_741del, p.Leu243fs (NM_001351834.2); c.729_741delGGCTGTCAACTTT (NM_000051.3); short protein forms L243fs.
Identifiers: ClinVar variation 945765 (VCV000945765.11), dbSNP rs2079760023, ClinGen allele CA1139662271.
Genomic context (GRCh38, chr11:108,244,848, plus strand): 5'-ACAAGAAAAGAGCTCTTCAGGTCTAAATCATATCTTAGCAGCTCTTACTATCTTCCTCAA[GACTTTGGCTGTCA>G]ACTTTCGAATTCGAGTGTGTGAATTAGGAGATGAAATTCTTCCCACTTTGCTTTATATTT-3'

ClinVar aggregate classification (germline): Pathogenic/Likely pathogenic. Review status: criteria provided, multiple submitters, no conflicts (2 of 4 stars). 3 submissions from 3 submitters: Pathogenic (2); Likely pathogenic (1). Last evaluated 2024-03-13.

Conditions:
Hereditary cancer-predisposing syndrome. Also called: Neoplastic Syndromes, Hereditary; Hereditary neoplastic syndrome; Hereditary Cancer Syndrome; Tumor predisposition. Identifiers: Orphanet 140162, MedGen C0027672, MeSH D009386, MONDO:0015356.
Familial cancer of breast. Also called: BREAST CANCER, FAMILIAL; Hereditary breast cancer; hereditary breast carcinoma. Identifiers: Orphanet 227535, MedGen C0346153, MONDO:0016419, OMIM 114480. Disease mechanism: loss of function.
Ataxia-telangiectasia syndrome (AT). Also called: Ataxia-telangiectasia, complementation group E; Ataxia telangiectasia (A-T); LOUIS-BAR SYNDROME; ATAXIA-TELANGIECTASIA, FRESNO VARIANT; AT, COMPLEMENTATION GROUP C; Ataxia-telangiectasia. Identifiers: Orphanet 100, MedGen C0004135, MONDO:0008840, OMIM 208900.

Submissions (3):

Baylor Genetics
Classification: Likely pathogenic for Familial cancer of breast. Last evaluated: 2024-03-13. Review status: criteria provided, single submitter. Criteria: ACMG Guidelines, 2015. Collection method: clinical testing. Allele origin: unknown.

Ambry Genetics
Classification: Pathogenic for Hereditary cancer-predisposing syndrome. Last evaluated: 2021-03-08. Review status: criteria provided, single submitter. Criteria: Ambry Variant Classification Scheme 2023. Collection method: clinical testing. Allele origin: germline.
Comment: The c.729_741del13 pathogenic mutation, located in coding exon 6 of the ATM gene, results from a deletion of the nucleotides GGCTGTCAACTTT at nucleotide positions 729 to 741, causing a translational frameshift with a predicted alternate stop codon (p.L243Ffs*8). This alteration is expected to result in loss of function by premature protein truncation or nonsense-mediated mRNA decay. As such, this alteration is interpreted as a disease-causing mutation.

Labcorp Genetics (formerly Invitae), Labcorp
Classification: Pathogenic for Ataxia-telangiectasia syndrome. Last evaluated: 2019-05-16. Review status: criteria provided, single submitter. Criteria: Invitae Variant Classification Sherloc (09022015). Collection method: clinical testing. Allele origin: germline.
Comment: This sequence change creates a premature translational stop signal (p.Leu243Phefs*8) in the ATM gene. It is expected to result in an absent or disrupted protein product. This variant is not present in population databases (ExAC no frequency). This variant has not been reported in the literature in individuals with ATM-related conditions. Loss-of-function variants in ATM are known to be pathogenic (PMID: 23807571, 25614872). For these reasons, this variant has been classified as Pathogenic.

Literature cited by the submitters: PubMed 23807571 (cited by Labcorp Genetics (formerly Invitae), Labcorp); PubMed 25614872 (cited by Labcorp Genetics (formerly Invitae), Labcorp).